The following is an entry in ClinVar:

ClinVar aggregate classification (germline): Uncertain significance (1 of 4 stars; one submission).

Conditions:
TSC2-related disorder. Also called: TSC2-related condition; TSC2-Related Disorders.

Submission:

PreventionGenetics, part of Exact Sciences
Classification: Uncertain significance for TSC2-related condition. Last evaluated: 2026-09-16. Review status: criteria provided, single submitter. Criteria: ACMG Guidelines, 2015. Collection method: clinical testing. Allele origin: germline.
Comment: The TSC2 c.359G>C variant is predicted to result in the amino acid substitution p.Arg120Thr. To our knowledge, this variant has not been reported in the literature or in a large population database (gnomAD), indicating this variant is rare. At this time, the clinical significance of this variant is uncertain due to the absence of conclusive functional and genetic evidence.

NM_000548.5(TSC2):c.359G>C (p.Arg120Thr)

Gene: TSC2 (TSC complex subunit 2; plus strand). Cytogenetic location: 16p13.3.
Variant type: single nucleotide variant.
Coding change: c.359G>C on transcript NM_000548.5 (MANE Select); coding-DNA position 359, G replaced by C.
Protein change: p.Arg120Thr; replaces arginine 120 with threonine.
Molecular consequence: missense variant. On other transcripts: 5 prime UTR variant (14), non-coding transcript variant (5), intron variant (6).
Genome position (GRCh38, 1-based): chr16:2,054,318, G>C. VCF-style: chr16-2054318-G-C. GRCh37 (hg19) VCF-style: chr16-2104319-G-C.
Other names: c.359G>C, p.Arg120Thr (NM_001077183.3, NM_001114382.3, NM_001363528.2 and 8 more transcripts); c.248G>C, p.Arg83Thr (NM_001318827.2, NM_001406670.1, NM_001406678.1); c.212G>C, p.Arg71Thr (NM_001318829.2, NM_001406675.1, NM_001406676.1 and 1 more transcripts); c.392G>C, p.Arg131Thr (NM_001318832.2); c.449G>C, p.Arg150Thr (NM_001406667.1, NM_001406668.1); c.302G>C, p.Arg101Thr (NM_001406677.1); c.-458G>C (NM_001406680.1, NM_001406683.1, NM_001406687.1); c.-87G>C (NM_001406681.1); and 6 more; short protein forms R120T, R131T, R101T, R71T, R150T, R83T.
Identifiers: ClinVar variation 4994973 (VCV004994973.1).